The following is an entry in ClinVar:

NM_016239.4(MYO15A):c.1205_1224del (p.Pro402fs)

Gene: MYO15A (myosin XVA; plus strand). Cytogenetic location: 17p11.2.
Variant type: Deletion.
Coding change: c.1205_1224del on transcript NM_016239.4 (MANE Select); coding-DNA positions 1205 to 1224, 20 bases deleted (CGGAGGAGTCGGCTTCGGCC).
Protein change: p.Pro402fs; shifts the reading frame from proline 402.
Molecular consequence: frameshift variant.
Genome position (GRCh38, 1-based): chr17:18,120,005-18,120,024, CGGAGGAGTCGGCTTCGGCC deleted; deleting any 20 consecutive bases within chr17:18,120,003-18,120,024 gives the same sequence; the c. name uses the placement nearest the transcript's 3' end. VCF-style (leftmost placement, unchanged base first): chr17-18120002-ACCCGGAGGAGTCGGCTTCGG-A. GRCh37 (hg19) VCF-style: chr17-18023316-ACCCGGAGGAGTCGGCTTCGG-A.
Other names: short protein forms P402fs.
Identifiers: ClinVar variation 1687517 (VCV001687517.1), dbSNP rs2142244867, ClinGen allele CA2573153125.

ClinVar aggregate classification (germline): Likely pathogenic (1 of 4 stars; one submission).

Conditions:
Autosomal recessive nonsyndromic hearing loss 3. Also called: NEUROSENSORY NONSYNDROMIC RECESSIVE DEAFNESS 3. Identifiers: Orphanet 90636, MedGen C1838263, MONDO:0010860, OMIM 600316.

Submission:

3billion
Classification: Likely pathogenic for Autosomal recessive nonsyndromic hearing loss 3. Last evaluated: 2022-05-22. Review status: criteria provided, single submitter. Criteria: ACMG Guidelines, 2015. Collection method: clinical testing. Allele origin: germline. Affected: yes. Observed: 1 heterozygote.
Comment: The variant is not observed in the gnomAD v2.1.1 dataset. Frameshift: predicted to result in a loss or disruption of normal protein function through nonsense-mediated decay (NMD) or protein truncation. Multiple pathogenic variants are reported downstream of the variant. Therefore, this variant is classified as likely pathogenic according to the recommendation of ACMG/AMP guideline.